The following is an entry in ClinVar:

ClinVar aggregate classification (germline): Uncertain significance (1 of 4 stars; one submission).

Conditions:
Inborn genetic diseases. Identifiers: MedGen C0950123, MeSH D030342.

gnomAD v4.1: 6 of 1,609,262 alleles (0.00037%); highest among the groups gnomAD compares: Non-Finnish European, 0.00051%; no homozygotes.

Submission:

Ambry Genetics
Classification: Uncertain significance for Inborn genetic diseases. Last evaluated: 2026-07-13. Review status: criteria provided, single submitter. Criteria: Ambry Variant Classification Scheme 2023. Collection method: clinical testing. Allele origin: germline.
Comment: The p.Q1654H variant (also known as c.4962G>T), located in coding exon 33 of the ANKRD26 gene, results from a G to T substitution at nucleotide position 4962. The glutamine at codon 1654 is replaced by histidine, an amino acid with highly similar properties. This amino acid position is conserved. In addition, this alteration is predicted to be tolerated by in silico analysis. Based on the available evidence, the clinical significance of this variant remains unclear.

NM_014915.3(ANKRD26):c.4962G>T (p.Gln1654His)

Gene: ANKRD26 (ankyrin repeat domain 26; minus strand). Cytogenetic location: 10p12.1.
Variant type: single nucleotide variant.
Coding change: c.4962G>T on transcript NM_014915.3 (MANE Select); coding-DNA position 4962, G replaced by T.
Protein change: p.Gln1654His; replaces glutamine 1654 with histidine.
Molecular consequence: missense variant.
Genome position (GRCh38, 1-based): chr10:27,006,954, C>A on the plus strand (G>T on the coding strand, the complement: ANKRD26 is on the minus strand). VCF-style: chr10-27006954-C-A. GRCh37 (hg19) VCF-style: chr10-27295883-C-A.
Other names: c.4959G>T, p.Gln1653His (NM_001256053.2); short protein forms Q1653H, Q1654H.
Identifiers: ClinVar variation 5023070 (VCV005023070.1).